The following is an entry in ClinVar:

NM_053025.4(MYLK):c.3392G>A (p.Trp1131Ter)

Gene: MYLK (myosin light chain kinase; minus strand). Cytogenetic location: 3q21.1.
Variant type: single nucleotide variant.
Coding change: c.3392G>A on transcript NM_053025.4 (MANE Select); coding-DNA position 3392, G replaced by A.
Protein change: p.Trp1131Ter; replaces tryptophan 1131 with a stop codon.
Molecular consequence: nonsense.
Genome position (GRCh38, 1-based): chr3:123,700,076, C>T on the plus strand (G>A on the coding strand, the complement: MYLK is on the minus strand). VCF-style: chr3-123700076-C-T. GRCh37 (hg19) VCF-style: chr3-123418923-C-T.
Other names: c.2864G>A, p.Trp955Ter (NM_001321309.2); c.3185G>A, p.Trp1062Ter (NM_053026.4, NM_053028.4); c.3392G>A, p.Trp1131Ter (NM_053027.4); short protein forms W1062*, W1131*, W955*.
Identifiers: ClinVar variation 4723198 (VCV004723198.1).
Genomic context (GRCh38, chr3:123,700,076, plus strand): 5'-TTACCTTCCTGGGAGAGGATGATGAACTTGGTGGTCTTGAGGGTCTTTCCGTTCAGCGTC[C>T]AGATGATGGTGGCTGGGGGGTCAGAAGACACCTGGCACTGGAGCAGCAGCTTCTTGCCCT-3'

ClinVar aggregate classification (germline): Pathogenic (1 of 4 stars; one submission).

Conditions:
Aortic aneurysm, familial thoracic 7 (AAT7). Also called: AORTIC DISSECTION, FAMILIAL, WITH OR WITHOUT AORTIC ANEURYSM. Identifiers: MedGen C3151077, MONDO:0013418, OMIM 613780.

Submission:

Labcorp Genetics (formerly Invitae), Labcorp
Classification: Pathogenic for Aortic aneurysm, familial thoracic 7. Last evaluated: 2025-07-22. Review status: criteria provided, single submitter. Criteria: Invitae Variant Classification Sherloc (09022015). Collection method: clinical testing. Allele origin: germline.
Comment: This variant occurs within the aortic-specific isoform of MYLK. Loss-of-function variants in the aortic-specific isoform of MYLK are known to be pathogenic for thoracic aortic dissections (PMID: 21055718). It is expected to result in an absent or disrupted protein product. Loss-of-function variants in MYLK are known to be pathogenic (PMID: 21055718, 28602422). This variant is not present in population databases (gnomAD no frequency). This variant has not been reported in the literature in individuals affected with MYLK-related conditions. For these reasons, this variant has been classified as Pathogenic.

Literature cited by the submitters: PubMed 21055718; PubMed 28602422.